The following is an entry in ClinVar:

NM_014806.5(RUSC2):c.424C>T (p.His142Tyr)

Gene: RUSC2 (RUN and SH3 domain containing 2; plus strand). Cytogenetic location: 9p13.3.
Variant type: single nucleotide variant.
Coding change: c.424C>T on transcript NM_014806.5 (MANE Select); coding-DNA position 424, C replaced by T.
Protein change: p.His142Tyr; replaces histidine 142 with tyrosine.
Molecular consequence: missense variant. On other transcripts: non-coding transcript variant (1), intron variant (1).
Genome position (GRCh38, 1-based): chr9:35,546,945, C>T. VCF-style: chr9-35546945-C-T. GRCh37 (hg19) VCF-style: chr9-35546942-C-T.
Other names: c.424C>T, p.His142Tyr (NM_001135999.2); c.-620-8115C>T (NM_001330740.2); short protein forms H142Y.
Identifiers: ClinVar variation 1413593 (VCV001413593.8), dbSNP rs1821760057, ClinGen allele CA373327087.

ClinVar aggregate classification (germline): Uncertain significance (1 of 4 stars; one submission).

Allele frequency attached by ClinVar (database versions not stated): gnomAD exomes below 0.00001; TOPMed below 0.00001; gnomAD 0.00001.
gnomAD v4.1: 2 of 1,574,452 alleles (0.00013%); highest among the groups gnomAD compares: Non-Finnish European, 0.00017%; no homozygotes.

Submission:

Labcorp Genetics (formerly Invitae), Labcorp
Classification: Uncertain significance. Last evaluated: 2023-08-17. Review status: criteria provided, single submitter. Criteria: Invitae Variant Classification Sherloc (09022015). Collection method: clinical testing. Allele origin: germline.
Comment: In summary, the available evidence is currently insufficient to determine the role of this variant in disease. Therefore, it has been classified as a Variant of Uncertain Significance. An algorithm developed to predict the effect of missense changes on protein structure and function (PolyPhen-2) suggests that this variant is likely to be tolerated. ClinVar contains an entry for this variant (Variation ID: 1413593). This variant has not been reported in the literature in individuals affected with RUSC2-related conditions. This variant is not present in population databases (gnomAD no frequency). This sequence change replaces histidine, which is basic and polar, with tyrosine, which is neutral and polar, at codon 142 of the RUSC2 protein (p.His142Tyr).